The following is an entry in ClinVar:

NC_000014.9:g.(?_87963374)_(87963521_?)dup

Gene: GALC (galactosylceramidase; minus strand). Cytogenetic location: 14q31.3.
Variant type: Duplication.
Identifiers: ClinVar variation 831802 (VCV000831802.9).

ClinVar aggregate classification (germline): Likely pathogenic (1 of 4 stars; one submission).

Conditions:
Galactosylceramide beta-galactosidase deficiency. Also called: Leukodystrophy, Globoid Cell; Krabbe Disease; GALACTOCEREBROSIDASE DEFICIENCY; GALC DEFICIENCY; GLOBOID CELL LEUKOENCEPHALOPATHY. Identifiers: Orphanet 487, MedGen C0023521, MONDO:0009499, OMIM 245200.

Submission:

Labcorp Genetics (formerly Invitae), Labcorp
Classification: Likely pathogenic for Galactosylceramide beta-galactosidase deficiency. Last evaluated: 2019-08-17. Review status: criteria provided, single submitter. Criteria: Invitae Variant Classification Sherloc (09022015). Collection method: clinical testing. Allele origin: germline.
Comment: In summary, the currently available evidence indicates that the variant is pathogenic, but additional data are needed to prove that conclusively. Therefore, this variant has been classified as Likely Pathogenic. Loss-of-function variants in GALC are known to be pathogenic (PMID: 7437911, 9272171, 16607461). This variant has not been reported in the literature in individuals with GALC-related conditions. This variant results in a copy number gain of the genomic region encompassing exon 10 of the GALC gene. While the exact position of this variant cannot be determined from this data, sub-genic copy number gains are generally in tandem (PMID: 25640679) and may result in an absent or disrupted protein product.

Literature cited by the submitters: PubMed 7437911; PubMed 9272171; PubMed 16607461; PubMed 25640679.